The following is an entry in ClinVar:

NM_001267550.2(TTN):c.835C>T (p.Arg279Trp)

Gene: TTN (titin; minus strand). Cytogenetic location: 2q31.2.
Variant type: single nucleotide variant.
Coding change: c.835C>T on transcript NM_001267550.2 (MANE Select); coding-DNA position 835, C replaced by T.
Protein change: p.Arg279Trp; replaces arginine 279 with tryptophan.
Molecular consequence: missense variant.
Genome position (GRCh38, 1-based): chr2:178,799,566, G>A on the plus strand (C>T on the coding strand, the complement: TTN is on the minus strand). VCF-style: chr2-178799566-G-A. GRCh37 (hg19) VCF-style: chr2-179664293-G-A.
Other names: p.R279W:CGG>TGG; c.835C>T, p.Arg279Trp (NM_001256850.1, NM_003319.4, NM_133378.4 and 3 more transcripts); short protein forms R279W.
Identifiers: ClinVar variation 12659 (VCV000012659.72), dbSNP rs138060032, ClinGen allele CA256527.

ClinVar aggregate classification (germline): Conflicting classifications of pathogenicity. Review status: criteria provided, conflicting classifications (1 of 4 stars). 25 submissions from 21 submitters: Uncertain significance (11); Likely benign (7). 7 of the submissions do not count toward it. Last evaluated 2025-10-29.

Conditions:
Cardiovascular phenotype. Identifiers: MedGen CN230736.
TTN-related disorder. Also called: TTN-related disorders; TTN-related condition; TTN-related disease.
Dilated cardiomyopathy 1G (CMD1G). Identifiers: Orphanet 154, MedGen C1858763, MONDO:0011400, OMIM 604145.
Autosomal recessive limb-girdle muscular dystrophy type 2J (LGMDR10). Also called: Limb-girdle muscular dystrophy, type 2J; MUSCULAR DYSTROPHY, LIMB-GIRDLE, AUTOSOMAL RECESSIVE 10. Identifiers: Orphanet 140922, MedGen C1837342, MONDO:0012127, OMIM 608807.
Cardiomyopathy (CMYO). Also called: Cardiomyopathies. Identifiers: Orphanet 167848, MedGen C0878544, MONDO:0004994, HP:0001638. Inheritance: Various modes of inheritance.
Tibial muscular dystrophy (TMD). Also called: Tibial muscular dystrophy, tardive; UDD MYOPATHY; Udd Distal Myopathy – Tibial Muscular Dystrophy. Identifiers: Orphanet 609, MedGen C1838244, MONDO:0010870, OMIM 600334.
Myopathy, myofibrillar, 9, with early respiratory failure (MFM9). Also called: Hereditary myopathy with early respiratory failure; MYOPATHY, PROXIMAL, WITH EARLY RESPIRATORY MUSCLE INVOLVEMENT; Myopathy, distal, with early respiratory failure, autosomal dominant; EDSTROM MYOPATHY. Identifiers: Orphanet 178464, Orphanet 34521, MedGen C1863599, MONDO:0011362, OMIM 603689.
Early-onset myopathy with fatal cardiomyopathy (CMYO5). Also called: CONGENITAL MYOPATHY 5 WITH CARDIOMYOPATHY; Salih Myopathy. Identifiers: Orphanet 289377, MedGen C2673677, MONDO:0012714, OMIM 611705. Disease mechanism: loss of function.

Allele frequency attached by ClinVar (database versions not stated): ESP Exome Variant Server 0.00008; ExAC 0.00013; gnomAD exomes 0.00019; gnomAD 0.00027 and 0.00029; TOPMed 0.00029.
gnomAD v4.1: 640 of 1,614,026 alleles (0.04%); highest among the groups gnomAD compares: Non-Finnish European, 0.052%; 1 homozygote.

Submissions 1 to 17 of 25:

Women's Health and Genetics/Laboratory Corporation of America, LabCorp
Classification: Likely benign. Last evaluated: 2025-10-29. Review status: criteria provided, single submitter. Criteria: LabCorp Variant Classification Summary - May 2015. Collection method: clinical testing. Allele origin: germline.
Comment: Variant summary: TTN c.835C>T (p.Arg279Trp) results in a non-conservative amino acid change located in the Z-disk region of the encoded protein sequence. Algorithms developed to predict the effect of missense changes on protein structure and function all suggest that this variant is likely to be disruptive. The variant allele was found at a frequency of 0.0004 in 1607032 control chromosomes, predominantly at a frequency of 0.00052 within the Non-Finnish European subpopulation in the gnomAD database, including 1 homozygote. The observed variant frequency within Non-Finnish European control individuals in the gnomAD database exceeds the estimated maximal expected allele frequency for disease-causing variants in TTN. c.835C>T has been reported in the literature in multiple individuals affected with TTN-related conditions without strong evidence for causality (e.g., Lange_2005, Campuzan_2015, Sanchez_2016, van Spaendonck-Zwart_2014). At-least two co-occurrences with other pathogenic variant(s) have been reported in cis with this variant (TTN c.87491C>T (p.Pro29164Leu), Lange_2005; c.69086_69095del10 (p.Arg23029ThrfsX9), van Spaendonck-Zwart_2014), providing supporting evidence for a benign role. Two publications reported experimental evidence evaluating an impact on protein function, demonstrating reduced binding to nbd1 in mutant cells (Lange_2005, Chaveau_2014), however, none of these studies allows convincing conclusions about the variant effect. The following publications have been ascertained in the context of this evaluation (PMID: 26516846, 24105469, 24569025, 24578547, 27930701, 20708934, 24558114, 15802564, 24271327, 24231549). ClinVar contains an entry for this variant (Variation ID: 12659). Based on the evidence outlined above, the variant was classified as likely benign.

Mayo Clinic Laboratories, Mayo Clinic
Classification: Uncertain significance. Last evaluated: 2025-09-13. Review status: criteria provided, single submitter. Criteria: ACMG Guidelines, 2015. Collection method: clinical testing. Allele origin: germline. Observed: 1 variant allele.

PreventionGenetics, part of Exact Sciences
Classification: Likely benign for TTN-related condition. Last evaluated: 2025-05-27. Review status: criteria provided, single submitter. Criteria: ACMG Guidelines, 2015. Collection method: clinical testing. Allele origin: germline.
Comment: This variant is classified as likely benign based on ACMG/AMP sequence variant interpretation guidelines (Richards et al. 2015 PMID: 25741868, with internal and published modifications).

Molecular Diagnostic Laboratory for Inherited Cardiovascular Disease, Montreal Heart Institute
Classification: Likely benign. Last evaluated: 2025-04-09. Review status: criteria provided, single submitter. Criteria: ACMG Guidelines, 2015. Collection method: clinical testing. Allele origin: germline. Affected: no.

Blueprint Genetics
Classification: Likely benign. Last evaluated: 2024-11-04. Review status: criteria provided, single submitter. Criteria: ACMG Guidelines, 2015. Collection method: clinical testing. Allele origin: germline.

Revvity Omics, Revvity
Classification: Likely benign. Last evaluated: 2024-06-11. Review status: criteria provided, single submitter. Criteria: ACMG Guidelines, 2015. Collection method: clinical testing. Allele origin: germline.

CHEO Genetics Diagnostic Laboratory, Children's Hospital of Eastern Ontario
Classification: Likely benign for Cardiomyopathy. Last evaluated: 2020-12-10. Review status: criteria provided, single submitter. Criteria: ACMG Guidelines, 2015. Collection method: clinical testing. Allele origin: germline.

Ambry Genetics
Classification: Uncertain significance for Cardiovascular phenotype. Last evaluated: 2018-11-13. Review status: criteria provided, single submitter. Criteria: Ambry Variant Classification Scheme 2023. Collection method: clinical testing. Allele origin: germline.
Comment: The p.R279W variant (also known as c.835C>T), located in coding exon 5 of the TTN gene, results from a C to T substitution at nucleotide position 835. The arginine at codon 279 is replaced by tryptophan, an amino acid with dissimilar properties. This variant was reported in cis with a truncating TTN alteration in a family with both dilated cardiomyopathy and peripartum cardiomyopathy (van Spaendonck-Zwarts KY et al. Eur Heart J. 2014;35:2165-73). This alteration has also been reported as a secondary cardiac variant in an exome cohort, and was detected in a sudden unexplained death case with variants in other cardiac-related genes (Ng D et al. Circ Cardiovasc Genet. 2013;6:337-46; Sanchez O et al. PLoS ONE. 2016;11(12):e0167358). This amino acid position is highly conserved in available vertebrate species. In addition, the in silico prediction for this alteration is inconclusive. Since supporting evidence is limited at this time, the clinical significance of this alteration remains unclear.

Athena Diagnostics
Classification: Uncertain significance. Last evaluated: 2018-09-14. Review status: criteria provided, single submitter. Criteria: Athena Diagnostics Criteria. Collection method: clinical testing. Allele origin: germline.

Laboratory for Molecular Medicine, Mass General Brigham Personalized Medicine
Classification: Likely benign. Last evaluated: 2018-04-09. Review status: criteria provided, single submitter. Criteria: LMM Criteria. Collection method: clinical testing. Allele origin: germline. Observed: 1 variant allele.
Comment: proposed classification - variant undergoing re-assessment, contact laboratory

Labcorp Genetics (formerly Invitae), Labcorp
Classification: Uncertain significance for Dilated cardiomyopathy 1G; Autosomal recessive limb-girdle muscular dystrophy type 2J. Last evaluated: 2017-05-08. Review status: criteria provided, single submitter. Criteria: Invitae Variant Classification Sherloc (09022015). Collection method: clinical testing. Allele origin: germline.

Illumina Laboratory Services, Illumina
Classification: Uncertain significance for Early-onset myopathy with fatal cardiomyopathy. Last evaluated: 2017-04-27. Review status: criteria provided, single submitter. Criteria: ICSL Variant Classification Criteria 13 December 2019. Collection method: clinical testing. Allele origin: germline.

Illumina Laboratory Services, Illumina
Classification: Uncertain significance for Tibial muscular dystrophy. Last evaluated: 2017-04-27. Review status: criteria provided, single submitter. Criteria: ICSL Variant Classification Criteria 13 December 2019. Collection method: clinical testing. Allele origin: germline.

Illumina Laboratory Services, Illumina
Classification: Uncertain significance for Dilated cardiomyopathy 1G. Last evaluated: 2017-04-27. Review status: criteria provided, single submitter. Criteria: ICSL Variant Classification Criteria 13 December 2019. Collection method: clinical testing. Allele origin: germline.

Illumina Laboratory Services, Illumina
Classification: Uncertain significance for Autosomal recessive limb-girdle muscular dystrophy type 2J. Last evaluated: 2017-04-27. Review status: criteria provided, single submitter. Criteria: ICSL Variant Classification Criteria 13 December 2019. Collection method: clinical testing. Allele origin: germline.

Illumina Laboratory Services, Illumina
Classification: Uncertain significance for Myopathy, myofibrillar, 9, with early respiratory failure. Last evaluated: 2017-04-27. Review status: criteria provided, single submitter. Criteria: ICSL Variant Classification Criteria 13 December 2019. Collection method: clinical testing. Allele origin: germline.
Comment: This variant was observed as part of a predisposition screen in an ostensibly healthy population. A literature search was performed for the gene, cDNA change, and amino acid change (where applicable). Publications were found based on this search. However, the evidence from the literature, in combination with allele frequency data from public databases where available, was not sufficient to rule this variant in or out of causing disease. Therefore, this variant is classified as a variant of unknown significance.

CeGaT Center for Human Genetics Tuebingen
Classification: Uncertain significance. Last evaluated: 2017-04-01. Review status: criteria provided, single submitter. Criteria: CeGaT Center For Human Genetics Tuebingen Variant Classification Criteria Version 2. Collection method: clinical testing. Allele origin: germline. Affected: yes. Observed: 1 variant allele.